The following is an entry in ClinVar:

ClinVar aggregate classification (germline): Conflicting classifications of pathogenicity. Review status: criteria provided, conflicting classifications (1 of 4 stars). 4 submissions from 4 submitters: Uncertain significance (3); Likely benign (1). Last evaluated 2025-04-01.

Conditions:
Inborn genetic diseases. Identifiers: MedGen C0950123, MeSH D030342.
Autism, susceptibility to, 17. Also called: Autism susceptibility 17. Identifiers: MedGen C3150693, MONDO:0013265, OMIM 613436.

Allele frequency attached by ClinVar (database versions not stated): gnomAD 0.00004; gnomAD exomes 0.00004; TOPMed 0.00005; ESP Exome Variant Server 0.00022.
gnomAD v4.1: 65 of 1,551,546 alleles (0.0042%); highest among the groups gnomAD compares: South Asian, 0.0059%; no homozygotes.

Submissions (4):

CeGaT Center for Human Genetics Tuebingen
Classification: Uncertain significance. Last evaluated: 2025-04-01. Review status: criteria provided, single submitter. Criteria: CeGaT Center For Human Genetics Tuebingen Variant Classification Criteria Version 2. Collection method: clinical testing. Allele origin: germline. Affected: yes. Observed: 1 variant allele.
Comment: SHANK2: PP3

Laboratory of Genetics, Children's Clinical University Hospital Latvia
Classification: Likely benign. Last evaluated: 2025-02-16. Review status: criteria provided, single submitter. Criteria: ACMG Guidelines, 2015. Collection method: clinical testing. Allele origin: germline. Affected: yes.

Ambry Genetics
Classification: Uncertain significance for Inborn genetic diseases. Last evaluated: 2021-12-14. Review status: criteria provided, single submitter. Criteria: Ambry Variant Classification Scheme 2023. Collection method: clinical testing. Allele origin: germline.

New York Genome Center
Classification: Uncertain significance for Autism, susceptibility to, 17. Last evaluated: 2020-04-28. Review status: criteria provided, single submitter. Criteria: NYGC Assertion Criteria 2020. Collection method: clinical testing. Allele origin: inherited. Observed: 1 heterozygote. Study: CSER-NYCKidSeq.
Comment: The inherited p.Gly264Ser variant identified SHANK2 has not been reported in affected individuals to the best of our knowledge. The variant has 0.00003706 allele frequency in the gnomAD database (7 out of 188,882 heterozygous alleles) indicating it is a rare allele in general population. The variant affects an evolutionarily conserved residue and is predicted deleterious by multiple in silico prediction tools. Based on the current evidence, the inherited p.Gly264Ser variant in SHANK2 is classified as a variant of uncertain significance.

NM_012309.5(SHANK2):c.790G>A (p.Gly264Ser)

Gene: SHANK2 (SH3 and multiple ankyrin repeat domains 2; minus strand). Cytogenetic location: 11q13.4.
Variant type: single nucleotide variant.
Coding change: c.790G>A on transcript NM_012309.5 (MANE Select); coding-DNA position 790, G replaced by A.
Protein change: p.Gly264Ser; replaces glycine 264 with serine.
Molecular consequence: missense variant.
Genome position (GRCh38, 1-based): chr11:71,092,544, C>T on the plus strand (G>A on the coding strand, the complement: SHANK2 is on the minus strand). VCF-style: chr11-71092544-C-T. GRCh37 (hg19) VCF-style: chr11-70803590-C-T.
Other names: short protein forms G264S.
Identifiers: ClinVar variation 1325553 (VCV001325553.15), dbSNP rs374476702, ClinGen allele CA224330605.